The following is an entry in ClinVar:

NM_024996.7(GFM1):c.998+2T>G

Gene: GFM1 (G elongation factor mitochondrial 1; plus strand). Cytogenetic location: 3q25.32.
Variant type: single nucleotide variant.
Coding change: c.998+2T>G on transcript NM_024996.7 (MANE Select); the canonical splice donor site of the intron after coding-DNA position 998, T replaced by G.
Molecular consequence: splice donor variant.
Genome position (GRCh38, 1-based): chr3:158,653,469, T>G. VCF-style: chr3-158653469-T-G. GRCh37 (hg19) VCF-style: chr3-158371258-T-G.
Other names: c.1055+2T>G (NM_001308164.2, NM_001374355.1); c.773+2T>G (NM_001374357.1); c.881+2T>G (NM_001374356.1); c.431+2T>G (NM_001374359.1, NM_001374360.1); c.314+2T>G (NM_001374361.1); c.539+2T>G (NM_001374358.1); c.998+2T>G (NM_001308166.2).
Identifiers: ClinVar variation 2027589 (VCV002027589.4), dbSNP rs775287626, ClinGen allele CA2682469.

ClinVar aggregate classification (germline): Likely pathogenic (1 of 4 stars; one submission).

Allele frequency attached by ClinVar (database versions not stated): TOPMed below 0.00001; ExAC 0.00001; gnomAD 0.00001.
gnomAD v4.1: 1 of 1,608,712 alleles (0.000062%); highest among the groups gnomAD compares: African/African-American, 0.0013%; no homozygotes.

Submission:

Labcorp Genetics (formerly Invitae), Labcorp
Classification: Likely pathogenic. Last evaluated: 2022-08-28. Review status: criteria provided, single submitter. Criteria: Invitae Variant Classification Sherloc (09022015). Collection method: clinical testing. Allele origin: germline.
Comment: This sequence change affects a donor splice site in intron 7 of the GFM1 gene. It is expected to disrupt RNA splicing. Variants that disrupt the donor or acceptor splice site typically lead to a loss of protein function (PMID: 16199547), and loss-of-function variants in GFM1 are known to be pathogenic (PMID: 16632485, 17160893). This variant is present in population databases (rs775287626, gnomAD 0.007%). This variant has not been reported in the literature in individuals affected with GFM1-related conditions. Algorithms developed to predict the effect of sequence changes on RNA splicing suggest that this variant may disrupt the consensus splice site. In summary, the currently available evidence indicates that the variant is pathogenic, but additional data are needed to prove that conclusively. Therefore, this variant has been classified as Likely Pathogenic.

Literature cited by the submitters: PubMed 16199547; PubMed 16632485; PubMed 17160893.